The following is an entry in ClinVar:

NM_020988.3(GNAO1):c.606C>T (p.Val202=)

Gene: GNAO1 (G protein subunit alpha o1; plus strand). Cytogenetic location: 16q13.
Variant type: single nucleotide variant.
Coding change: c.606C>T on transcript NM_020988.3 (MANE Select); coding-DNA position 606, C replaced by T.
Protein change: p.Val202=; no amino-acid change (valine 202 retained).
Molecular consequence: synonymous variant.
Genome position (GRCh38, 1-based): chr16:56,336,743, C>T. VCF-style: chr16-56336743-C-T. GRCh37 (hg19) VCF-style: chr16-56370655-C-T.
Other names: c.606C>T, p.Val202= (NM_138736.3).
Identifiers: ClinVar variation 700035 (VCV000700035.40), dbSNP rs150641952, ClinGen allele CA8063823.

ClinVar aggregate classification (germline): Likely benign. Review status: criteria provided, multiple submitters, no conflicts (2 of 4 stars). 5 submissions from 5 submitters: Likely benign (5). Last evaluated 2026-03-01.

Conditions:
Early-infantile DEE. Also called: Ohtahara syndrome; Early infantile epileptic encephalopathy with suppression bursts; Early infantile epileptic encephalopathy. Identifiers: Orphanet 1934, MedGen C0393706, MONDO:0800491.
Inborn genetic diseases. Identifiers: MedGen C0950123, MeSH D030342.

Allele frequency attached by ClinVar (database versions not stated): ExAC 0.00004; gnomAD 0.00006 and 0.00007; gnomAD exomes 0.00006 and 0.00010; ESP Exome Variant Server 0.00008; TOPMed 0.00009.
gnomAD v4.1: 148 of 1,611,544 alleles (0.0092%); highest among the groups gnomAD compares: Non-Finnish European, 0.012%; no homozygotes.

Submissions (5):

CeGaT Center for Human Genetics Tuebingen
Classification: Likely benign. Last evaluated: 2026-03-01. Review status: criteria provided, single submitter. Criteria: CeGaT Center For Human Genetics Tuebingen Variant Classification Criteria Version 2. Collection method: clinical testing. Allele origin: germline. Affected: yes. Observed: 4 variant alleles.
Comment: GNAO1: BP4, BP7

Labcorp Genetics (formerly Invitae), Labcorp
Classification: Likely benign for Early-infantile DEE. Last evaluated: 2025-12-25. Review status: criteria provided, single submitter. Criteria: Invitae Variant Classification Sherloc (09022015). Collection method: clinical testing. Allele origin: germline.

Blueprint Genetics
Classification: Likely benign. Last evaluated: 2024-09-04. Review status: criteria provided, single submitter. Criteria: ACMG Guidelines, 2015. Collection method: clinical testing. Allele origin: germline.

Ambry Genetics
Classification: Likely benign for Inborn genetic diseases. Last evaluated: 2019-10-23. Review status: criteria provided, single submitter. Criteria: Ambry Variant Classification Scheme 2023. Collection method: clinical testing. Allele origin: germline.

GeneDx
Classification: Likely benign. Last evaluated: 2018-11-15. Review status: criteria provided, single submitter. Criteria: GeneDx Variant Classification Process June 2021. Collection method: clinical testing. Allele origin: germline. Affected: yes.